The following is an entry in ClinVar:

ClinVar aggregate classification (germline): Uncertain significance (1 of 4 stars; one submission).

Allele frequency attached by ClinVar (database versions not stated): gnomAD 0.00003; TOPMed 0.00003.
gnomAD v4.1: 61 of 1,551,930 alleles (0.0039%); highest among the groups gnomAD compares: Non-Finnish European, 0.005%; no homozygotes.

Submission:

Labcorp Genetics (formerly Invitae), Labcorp
Classification: Uncertain significance. Last evaluated: 2022-03-13. Review status: criteria provided, single submitter. Criteria: Invitae Variant Classification Sherloc (09022015). Collection method: clinical testing. Allele origin: germline.
Comment: This sequence change replaces serine, which is neutral and polar, with asparagine, which is neutral and polar, at codon 630 of the UNC80 protein (p.Ser630Asn). This variant is present in population databases (rs766431461, gnomAD 0.005%). This variant has not been reported in the literature in individuals affected with UNC80-related conditions. Algorithms developed to predict the effect of missense changes on protein structure and function are either unavailable or do not agree on the potential impact of this missense change (SIFT: "Not Available"; PolyPhen-2: "Probably Damaging"; Align-GVGD: "Not Available"). In summary, the available evidence is currently insufficient to determine the role of this variant in disease. Therefore, it has been classified as a Variant of Uncertain Significance.

NM_001371986.1(UNC80):c.1889G>A (p.Ser630Asn)

Gene: UNC80 (unc-80 homolog, NALCN channel complex subunit; plus strand). Cytogenetic location: 2q34.
Variant type: single nucleotide variant.
Coding change: c.1889G>A on transcript NM_001371986.1 (MANE Select); coding-DNA position 1889, G replaced by A.
Protein change: p.Ser630Asn; replaces serine 630 with asparagine.
Molecular consequence: missense variant.
Genome position (GRCh38, 1-based): chr2:209,819,188, G>A. VCF-style: chr2-209819188-G-A. GRCh37 (hg19) VCF-style: chr2-210683912-G-A.
Other names: c.1889G>A, p.Ser630Asn (NM_032504.2, NM_182587.4); short protein forms S630N.
Identifiers: ClinVar variation 1976183 (VCV001976183.2), dbSNP rs766431461, ClinGen allele CA2082981.